The following is an entry in ClinVar:

ClinVar aggregate classification (germline): Conflicting classifications of pathogenicity. Review status: criteria provided, conflicting classifications (1 of 4 stars). 2 submissions from 2 submitters: Uncertain significance (1); Likely benign (1). Last evaluated 2025-02-02.

gnomAD v4.1: 2 of 1,608,268 alleles (0.00012%); highest among the groups gnomAD compares: Non-Finnish European, 0.00017%; no homozygotes.

Submissions (2):

Labcorp Genetics (formerly Invitae), Labcorp
Classification: Uncertain significance. Last evaluated: 2025-02-02. Review status: criteria provided, single submitter. Criteria: Invitae Variant Classification Sherloc (09022015). Collection method: clinical testing. Allele origin: germline.
Comment: This sequence change replaces arginine, which is basic and polar, with histidine, which is basic and polar, at codon 1014 of the NOTCH3 protein (p.Arg1014His). This variant is not present in population databases (gnomAD no frequency). This variant has not been reported in the literature in individuals affected with NOTCH3-related conditions. Invitae Evidence Modeling of protein sequence and biophysical properties (such as structural, functional, and spatial information, amino acid conservation, physicochemical variation, residue mobility, and thermodynamic stability) indicates that this missense variant is not expected to disrupt NOTCH3 protein function with a negative predictive value of 95%. In summary, the available evidence is currently insufficient to determine the role of this variant in disease. Therefore, it has been classified as a Variant of Uncertain Significance.

Blueprint Genetics
Classification: Likely benign. Last evaluated: 2024-09-19. Review status: criteria provided, single submitter. Criteria: ACMG Guidelines, 2015. Collection method: clinical testing. Allele origin: germline.

NM_000435.3(NOTCH3):c.3041G>A (p.Arg1014His)

Gene: NOTCH3 (notch receptor 3; minus strand). Cytogenetic location: 19p13.12.
Variant type: single nucleotide variant.
Coding change: c.3041G>A on transcript NM_000435.3 (MANE Select); coding-DNA position 3041, G replaced by A.
Protein change: p.Arg1014His; replaces arginine 1014 with histidine.
Molecular consequence: missense variant.
Genome position (GRCh38, 1-based): chr19:15,180,782, C>T on the plus strand (G>A on the coding strand, the complement: NOTCH3 is on the minus strand). VCF-style: chr19-15180782-C-T. GRCh37 (hg19) VCF-style: chr19-15291593-C-T.
Other names: short protein forms R1014H.
Identifiers: ClinVar variation 3659788 (VCV003659788.3).
Genomic context (GRCh38, chr19:15,180,782, plus strand): 5'-TCACAGAGGCGTCCGCTCCATCCAGGGGGACAAAGGCAATAGGCCCCAGTCTGGACGCAG[C>T]GACCCCCGTTTTGACAAGGCTGGCGGCTGCACCAATCCACCAGCGTCTGGAGGGGAAGCA-3'
Protein context (NP_000426.2, residues 1004-1024): CSRQPCQNGG[Arg1014His]CVQTGAYCLC